The following is an entry in ClinVar:

NM_001386140.1(MTTP):c.833A>G (p.Lys278Arg)

Gene: MTTP (microsomal triglyceride transfer protein; plus strand). Cytogenetic location: 4q23.
Variant type: single nucleotide variant.
Coding change: c.833A>G on transcript NM_001386140.1 (MANE Select); coding-DNA position 833, A replaced by G.
Protein change: p.Lys278Arg; replaces lysine 278 with arginine.
Molecular consequence: missense variant.
Genome position (GRCh38, 1-based): chr4:99,594,807, A>G. VCF-style: chr4-99594807-A-G. GRCh37 (hg19) VCF-style: chr4-100515964-A-G.
Other names: c.833A>G, p.Lys278Arg (NM_000253.4); c.584A>G, p.Lys195Arg (NM_001300785.2); short protein forms K278R, K195R.
Identifiers: ClinVar variation 347029 (VCV000347029.12), dbSNP rs886058957, ClinGen allele CA10622111.

ClinVar aggregate classification (germline): Uncertain significance. Review status: criteria provided, multiple submitters, no conflicts (2 of 4 stars). 5 submissions from 5 submitters: Uncertain significance (4). 1 of the submissions does not count toward it. Last evaluated 2026-01-13.

Conditions:
Inborn genetic diseases. Identifiers: MedGen C0950123, MeSH D030342.
Abetalipoproteinaemia (ABL). Also called: Abetalipoproteinemia; Abetalipoproteinemia neuropathy; Apolipoprotein B deficiency; Congenital betalipoprotein deficiency syndrome; MTP DEFICIENCY. Identifiers: Orphanet 14, MedGen C0000744, MONDO:0008692, OMIM 200100, HP:0008181.

Allele frequency attached by ClinVar (database versions not stated): gnomAD exomes below 0.00001 and 0.00001; TOPMed 0.00002; gnomAD 0.00003 and 0.00004.
gnomAD v4.1: 12 of 1,613,960 alleles (0.00074%); highest among the groups gnomAD compares: Non-Finnish European, 0.001%; 1 homozygote.

Submissions (5):

Myriad Genetics, Inc.
Classification: Uncertain significance for Abetalipoproteinaemia. Last evaluated: 2026-01-13. Review status: criteria provided, single submitter. Criteria: Myriad Autosomal Dominant, Autosomal Recessive and X-Linked Classification Criteria (2023). Collection method: clinical testing. Allele origin: unknown.
Comment: NM_000253.2(MTTP):c.833A>G(K278R) is a missense variant classified as a variant of uncertain significance in the context of abetalipoproteinemia. K278R has not been observed in cases with relevant disease. Relevant functional assessments of this variant are not available in the literature. K278R has been observed in referenced population frequency databases. In summary, there is insufficient evidence to classify NM_000253.2(MTTP):c.833A>G(K278R) as pathogenic or benign. Please note: this variant was assessed in the context of healthy population screening.

Ambry Genetics
Classification: Uncertain significance for Inborn genetic diseases. Last evaluated: 2023-12-14. Review status: criteria provided, single submitter. Criteria: Ambry Variant Classification Scheme 2023. Collection method: clinical testing. Allele origin: germline.

Labcorp Genetics (formerly Invitae), Labcorp
Classification: Uncertain significance. Last evaluated: 2022-08-09. Review status: criteria provided, single submitter. Criteria: Invitae Variant Classification Sherloc (09022015). Collection method: clinical testing. Allele origin: germline.
Comment: This sequence change replaces lysine, which is basic and polar, with arginine, which is basic and polar, at codon 278 of the MTTP protein (p.Lys278Arg). This variant is present in population databases (no rsID available, gnomAD 0.0009%). This variant has not been reported in the literature in individuals affected with MTTP-related conditions. ClinVar contains an entry for this variant (Variation ID: 347029). Algorithms developed to predict the effect of missense changes on protein structure and function (SIFT, PolyPhen-2, Align-GVGD) all suggest that this variant is likely to be tolerated. In summary, the available evidence is currently insufficient to determine the role of this variant in disease. Therefore, it has been classified as a Variant of Uncertain Significance.

Illumina Laboratory Services, Illumina
Classification: Uncertain significance for Abetalipoproteinaemia. Last evaluated: 2018-01-13. Review status: criteria provided, single submitter. Criteria: ICSL Variant Classification Criteria 13 December 2019. Collection method: clinical testing. Allele origin: germline.

Natera, Inc.
Classification: Uncertain significance for Abetalipoproteinemia. Last evaluated: 2021-06-29. Review status: no assertion criteria provided. Collection method: clinical testing. Allele origin: germline. Not counted in ClinVar's aggregate classification.